The following is an entry in ClinVar:

NM_144997.7(FLCN):c.1442C>T (p.Thr481Ile)

Gene: FLCN (folliculin; minus strand). Cytogenetic location: 17p11.2.
Variant type: single nucleotide variant.
Coding change: c.1442C>T on transcript NM_144997.7 (MANE Select); coding-DNA position 1442, C replaced by T.
Protein change: p.Thr481Ile; replaces threonine 481 with isoleucine.
Molecular consequence: missense variant.
Genome position (GRCh38, 1-based): chr17:17,215,081, G>A on the plus strand (C>T on the coding strand, the complement: FLCN is on the minus strand). VCF-style: chr17-17215081-G-A. GRCh37 (hg19) VCF-style: chr17-17118395-G-A.
Other names: c.1442C>T (LRG_325t1); c.1496C>T, p.Thr499Ile (NM_001353229.2); c.1442C>T, p.Thr481Ile (NM_001353230.2, NM_001353231.2); short protein forms T481I, T499I.
Identifiers: ClinVar variation 641105 (VCV000641105.7), dbSNP rs781081891, ClinGen allele CA398531016.

ClinVar aggregate classification (germline): Uncertain significance. Review status: criteria provided, multiple submitters, no conflicts (2 of 4 stars). 2 submissions from 2 submitters: Uncertain significance (2). Last evaluated 2026-07-02.

Conditions:
Hereditary cancer-predisposing syndrome. Also called: Neoplastic Syndromes, Hereditary; Hereditary Cancer Syndrome; Hereditary neoplastic syndrome; Tumor predisposition. Identifiers: Orphanet 140162, MedGen C0027672, MeSH D009386, MONDO:0015356.
Birt-Hogg-Dube syndrome. Also called: Birt Hogg Dubé syndrome. Identifiers: Orphanet 122, MedGen C0346010, MONDO:0800444.

Submissions (2):

Ambry Genetics
Classification: Uncertain significance for Hereditary cancer-predisposing syndrome. Last evaluated: 2026-07-02. Review status: criteria provided, single submitter. Criteria: Ambry Variant Classification Scheme 2023. Collection method: clinical testing. Allele origin: germline.
Comment: The p.T481I variant (also known as c.1442C>T), located in coding exon 10 of the FLCN gene, results from a C to T substitution at nucleotide position 1442. The threonine at codon 481 is replaced by isoleucine, an amino acid with similar properties. This amino acid position is conserved. In addition, the in silico prediction for this alteration is inconclusive. Based on the available evidence, the clinical significance of this variant remains unclear.

Labcorp Genetics (formerly Invitae), Labcorp
Classification: Uncertain significance for Birt-Hogg-Dube syndrome. Last evaluated: 2018-09-06. Review status: criteria provided, single submitter. Criteria: Invitae Variant Classification Sherloc (09022015). Collection method: clinical testing. Allele origin: germline.
Comment: Algorithms developed to predict the effect of missense changes on protein structure and function (SIFT, PolyPhen-2, Align-GVGD) all suggest that this variant is likely to be tolerated, but these predictions have not been confirmed by published functional studies and their clinical significance is uncertain. In summary, the available evidence is currently insufficient to determine the role of this variant in disease. Therefore, it has been classified as a Variant of Uncertain Significance. This variant has not been reported in the literature in individuals with FLCN-related disease. This sequence change replaces threonine with isoleucine at codon 481 of the FLCN protein (p.Thr481Ile). The threonine residue is highly conserved and there is a moderate physicochemical difference between threonine and isoleucine. This variant is not present in population databases (ExAC no frequency).